The following is an entry in ClinVar:

ClinVar aggregate classification (germline): Likely pathogenic (1 of 4 stars; one submission).

Conditions:
Exudative vitreoretinopathy 4 (EVR4). Identifiers: Orphanet 891, MedGen C1866176, MONDO:0011151, OMIM 601813.

Submission:

3billion
Classification: Likely pathogenic for Exudative vitreoretinopathy 4. Last evaluated: 2022-05-22. Review status: criteria provided, single submitter. Criteria: ACMG Guidelines, 2015. Collection method: clinical testing. Allele origin: germline. Affected: yes. Observed: 1 heterozygote.
Comment: The variant is not observed in the gnomAD v2.1.1 dataset. Frameshift: predicted to result in a loss or disruption of normal protein function through nonsense-mediated decay (NMD) or protein truncation. Multiple pathogenic variants are reported downstream of the variant. Therefore, this variant is classified as likely pathogenic according to the recommendation of ACMG/AMP guideline.

NM_002335.4(LRP5):c.4397del (p.Gly1466fs)

Gene: LRP5 (LDL receptor related protein 5; plus strand). Cytogenetic location: 11q13.2.
Variant type: Deletion.
Coding change: c.4397del on transcript NM_002335.4 (MANE Select); coding-DNA position 4397, one base deleted (G; older notation c.4397delG).
Protein change: p.Gly1466fs; shifts the reading frame from glycine 1466.
Molecular consequence: frameshift variant.
Genome position (GRCh38, 1-based): chr11:68,439,825, G deleted; the last of 6 consecutive G bases (chr11:68,439,820-68,439,825); deleting any one gives the same sequence. VCF-style (leftmost placement, unchanged base first): chr11-68439819-TG-T. GRCh37 (hg19) VCF-style: chr11-68207287-TG-T.
Other names: c.2654del, p.Gly885fs (NM_001291902.2); short protein forms G1466fs, G885fs.
Identifiers: ClinVar variation 1687478 (VCV001687478.1), dbSNP rs2098677149, ClinGen allele CA2573147537.